The following is an entry in ClinVar:

ClinVar aggregate classification (germline): Uncertain significance (1 of 4 stars; one submission).

Allele frequency attached by ClinVar (database versions not stated): TOPMed below 0.00001.
gnomAD v4.1: 3 of 1,611,582 alleles (0.00019%); highest among the groups gnomAD compares: East Asian, 0.0022%; no homozygotes.

Submission:

Labcorp Genetics (formerly Invitae), Labcorp
Classification: Uncertain significance. Last evaluated: 2021-10-29. Review status: criteria provided, single submitter. Criteria: Invitae Variant Classification Sherloc (09022015). Collection method: clinical testing. Allele origin: germline.
Comment: This sequence change falls in intron 25 of the USH2A gene. It does not directly change the encoded amino acid sequence of the USH2A protein. This variant is not present in population databases (gnomAD no frequency). This variant has not been reported in the literature in individuals affected with USH2A-related conditions. Algorithms developed to predict the effect of sequence changes on RNA splicing suggest that this variant may create or strengthen a splice site. In summary, the available evidence is currently insufficient to determine the role of this variant in disease. Therefore, it has been classified as a Variant of Uncertain Significance.

NM_206933.4(USH2A):c.5167+20A>G

Genes: USH2A-AS2 (USH2A antisense RNA 2; plus strand), USH2A (usherin; minus strand). Cytogenetic location: 1q41.
Variant type: single nucleotide variant.
Coding change: c.5167+20A>G on transcript NM_206933.4 (MANE Select); 20 bases into the intron after coding-DNA position 5167, A replaced by G.
Molecular consequence: intron variant.
Genome position (GRCh38, 1-based): chr1:216,084,678, T>C on the plus strand (A>G on the coding strand, the complement: USH2A is on the minus strand). VCF-style: chr1-216084678-T-C. GRCh37 (hg19) VCF-style: chr1-216258020-T-C.
Identifiers: ClinVar variation 1395387 (VCV001395387.3), dbSNP rs756960523, ClinGen allele CA1220548944.